The following is an entry in ClinVar:

ClinVar aggregate classification (germline): Uncertain significance (1 of 4 stars; one submission).

gnomAD v4.1: 3 of 1,614,192 alleles (0.00019%); highest among the groups gnomAD compares: Non-Finnish European, 0.00017%; no homozygotes.

Submission:

Labcorp Genetics (formerly Invitae), Labcorp
Classification: Uncertain significance. Last evaluated: 2023-05-05. Review status: criteria provided, single submitter. Criteria: Invitae Variant Classification Sherloc (09022015). Collection method: clinical testing. Allele origin: germline.
Comment: In summary, the available evidence is currently insufficient to determine the role of this variant in disease. Therefore, it has been classified as a Variant of Uncertain Significance. An algorithm developed to predict the effect of missense changes on protein structure and function (PolyPhen-2) suggests that this variant is likely to be disruptive. This variant has not been reported in the literature in individuals affected with ZNF462-related conditions. This variant is not present in population databases (gnomAD no frequency). This sequence change replaces aspartic acid, which is acidic and polar, with histidine, which is basic and polar, at codon 1411 of the ZNF462 protein (p.Asp1411His).

NM_021224.6(ZNF462):c.4231G>C (p.Asp1411His)

Gene: ZNF462 (zinc finger protein 462; plus strand). Cytogenetic location: 9q31.2.
Variant type: single nucleotide variant.
Coding change: c.4231G>C on transcript NM_021224.6 (MANE Select); coding-DNA position 4231, G replaced by C.
Protein change: p.Asp1411His; replaces aspartic acid 1411 with histidine.
Molecular consequence: missense variant. On other transcripts: intron variant (1).
Genome position (GRCh38, 1-based): chr9:106,928,143, G>C. VCF-style: chr9-106928143-G-C. GRCh37 (hg19) VCF-style: chr9-109690424-G-C.
Other names: c.3252+979G>C (NM_001347997.2); short protein forms D1411H.
Identifiers: ClinVar variation 2862207 (VCV002862207.3), dbSNP rs1162495859, ClinGen allele CA374407922.